The following is an entry in ClinVar:

ClinVar aggregate classification (germline): Uncertain significance. Review status: criteria provided, multiple submitters, no conflicts (2 of 4 stars). 3 submissions from 3 submitters: Uncertain significance (3). Last evaluated 2024-03-06.

Conditions:
Catecholaminergic polymorphic ventricular tachycardia (CVPT). Also called: Catecholamine-induced polymorphic ventricular tachycardia. Identifiers: Orphanet 3286, MedGen C5574922, MONDO:0017990.
Cardiomyopathy (CMYO). Also called: Cardiomyopathies. Identifiers: Orphanet 167848, MedGen C0878544, MONDO:0004994, HP:0001638. Inheritance: Various modes of inheritance.
Catecholaminergic polymorphic ventricular tachycardia 1. Also called: VENTRICULAR TACHYCARDIA, CATECHOLAMINERGIC POLYMORPHIC, 1, WITH OR WITHOUT ATRIAL DYSFUNCTION AND/OR DILATED CARDIOMYOPATHY; RYR2-Related Catecholaminergic Polymorphic Ventricular Tachycardia; VENTRICULAR TACHYCARDIA, STRESS-INDUCED POLYMORPHIC 1. Identifiers: Orphanet 3286, MedGen C1631597, MONDO:0011484, OMIM 604772.

Allele frequency attached by ClinVar (database versions not stated): gnomAD exomes below 0.00001; gnomAD 0.00001; TOPMed 0.00002.
gnomAD v4.1: 3 of 1,610,802 alleles (0.00019%); highest among the groups gnomAD compares: Non-Finnish European, 0.00025%; no homozygotes.

Submissions (3):

Color Diagnostics, LLC DBA Color Health
Classification: Uncertain significance for Cardiomyopathy. Last evaluated: 2024-03-06. Review status: criteria provided, single submitter. Criteria: ACMG Guidelines, 2015. Collection method: clinical testing. Allele origin: germline.
Comment: This missense variant replaces alanine with threonine at codon 3756 of the RYR2 protein. Computational prediction is inconclusive regarding the impact of this variant on protein structure and function (internally defined REVEL score threshold 0.5 < inconclusive < 0.7, PMID: 27666373). To our knowledge, functional studies have not been reported for this variant. This variant has not been reported in individuals affected with RYR2-related disorders in the literature. This variant has not been identified in the general population by the Genome Aggregation Database (gnomAD). The available evidence is insufficient to determine the role of this variant in disease conclusively. Therefore, this variant is classified as a Variant of Uncertain Significance.

All of Us Research Program, National Institutes of Health
Classification: Uncertain significance for Catecholaminergic polymorphic ventricular tachycardia. Last evaluated: 2024-02-22. Review status: criteria provided, single submitter. Criteria: ACMG Guidelines, 2015. Collection method: clinical testing. Allele origin: germline. Inheritance: Autosomal dominant inheritance. Observed: 3 variant alleles, 3 heterozygotes.
Comment: This missense variant replaces alanine with threonine at codon 3756 of the RYR2 protein. Computational prediction is inconclusive regarding the impact of this variant on protein structure and function (internally defined REVEL score threshold 0.5 < inconclusive < 0.7, PMID: 27666373). Splice site prediction tools suggest that this variant may not impact RNA splicing. To our knowledge, functional studies have not been performed for this variant. This variant has not been reported in individuals affected with cardiovascular disorders in the literature. This variant has not been identified in the general population by the Genome Aggregation Database (gnomAD). The available evidence is insufficient to determine the role of this variant in disease conclusively. Therefore, this variant is classified as a Variant of Uncertain Significance.

This study involves interpretation of variants in research participants for the purpose of population health screening. Participant phenotype was not available at the time of variant classification. Additional details can be found in publication PMID: 35346344, PMCID: PMC8962531

Labcorp Genetics (formerly Invitae), Labcorp
Classification: Uncertain significance for Catecholaminergic polymorphic ventricular tachycardia 1. Last evaluated: 2022-07-03. Review status: criteria provided, single submitter. Criteria: Invitae Variant Classification Sherloc (09022015). Collection method: clinical testing. Allele origin: germline.
Comment: This sequence change replaces alanine, which is neutral and non-polar, with threonine, which is neutral and polar, at codon 3756 of the RYR2 protein (p.Ala3756Thr). This variant is not present in population databases (gnomAD no frequency). This variant has not been reported in the literature in individuals affected with RYR2-related conditions. ClinVar contains an entry for this variant (Variation ID: 870979). Advanced modeling of protein sequence and biophysical properties (such as structural, functional, and spatial information, amino acid conservation, physicochemical variation, residue mobility, and thermodynamic stability) performed at Invitae indicates that this missense variant is not expected to disrupt RYR2 protein function. Algorithms developed to predict the effect of sequence changes on RNA splicing suggest that this variant may create or strengthen a splice site. In summary, the available evidence is currently insufficient to determine the role of this variant in disease. Therefore, it has been classified as a Variant of Uncertain Significance.

NM_001035.3(RYR2):c.11266G>A (p.Ala3756Thr)

Gene: RYR2 (ryanodine receptor 2; plus strand). Cytogenetic location: 1q43.
Variant type: single nucleotide variant.
Coding change: c.11266G>A on transcript NM_001035.3 (MANE Select); coding-DNA position 11266, G replaced by A.
Protein change: p.Ala3756Thr; replaces alanine 3756 with threonine.
Molecular consequence: missense variant.
Genome position (GRCh38, 1-based): chr1:237,757,717, G>A. VCF-style: chr1-237757717-G-A. GRCh37 (hg19) VCF-style: chr1-237921017-G-A.
Other names: short protein forms A3756T.
Identifiers: ClinVar variation 870979 (VCV000870979.21), dbSNP rs942942966, ClinGen allele CA39831175.